The following is an entry in ClinVar:

NM_000188.3(HK1):c.2473G>A (p.Val825Met)

Gene: HK1 (hexokinase 1; plus strand). Cytogenetic location: 10q22.1.
Variant type: single nucleotide variant.
Coding change: c.2473G>A on transcript NM_000188.3 (MANE Select); coding-DNA position 2473, G replaced by A.
Protein change: p.Val825Met; replaces valine 825 with methionine.
Molecular consequence: missense variant.
Genome position (GRCh38, 1-based): chr10:69,398,692, G>A. VCF-style: chr10-69398692-G-A. GRCh37 (hg19) VCF-style: chr10-71158448-G-A.
Other names: c.2485G>A, p.Val829Met (NM_001322364.2, NM_001358263.1, NM_033497.3 and 1 more transcripts); c.2578G>A, p.Val860Met (NM_001322365.2); c.2389G>A, p.Val797Met (NM_001322366.1); c.2377G>A, p.Val793Met (NM_001322367.1); c.2470G>A, p.Val824Met (NM_033496.3); c.2437G>A, p.Val813Met (NM_033500.2); short protein forms V797M, V793M, V829M, V824M, V860M, V813M, V825M.
Identifiers: ClinVar variation 2095715 (VCV002095715.5), dbSNP rs2540484540, ClinGen allele CA376916833.

ClinVar aggregate classification (germline): Uncertain significance. Review status: criteria provided, multiple submitters, no conflicts (2 of 4 stars). 2 submissions from 2 submitters: Uncertain significance (2). Last evaluated 2024-03-04.

Conditions:
Neurodevelopmental disorder with visual defects and brain anomalies. Identifiers: MedGen C5231404, MONDO:0032807, OMIM 618547.

Allele frequency attached by ClinVar (database versions not stated): gnomAD exomes below 0.00001.
gnomAD v4.1: 1 of 1,614,222 alleles (0.000062%); highest among the groups gnomAD compares: Non-Finnish European, 0.000085%; no homozygotes.

Submissions (2):

Labcorp Genetics (formerly Invitae), Labcorp
Classification: Uncertain significance. Last evaluated: 2024-03-04. Review status: criteria provided, single submitter. Criteria: Invitae Variant Classification Sherloc (09022015). Collection method: clinical testing. Allele origin: germline.
Comment: This sequence change replaces valine, which is neutral and non-polar, with methionine, which is neutral and non-polar, at codon 825 of the HK1 protein (p.Val825Met). This variant is not present in population databases (gnomAD no frequency). This variant has not been reported in the literature in individuals affected with HK1-related conditions. ClinVar contains an entry for this variant (Variation ID: 2095715). Advanced modeling of protein sequence and biophysical properties (such as structural, functional, and spatial information, amino acid conservation, physicochemical variation, residue mobility, and thermodynamic stability) performed at Invitae indicates that this missense variant is not expected to disrupt HK1 protein function with a negative predictive value of 80%. In summary, the available evidence is currently insufficient to determine the role of this variant in disease. Therefore, it has been classified as a Variant of Uncertain Significance.

Neuberg Centre For Genomic Medicine, NCGM
Classification: Uncertain significance for Neurodevelopmental disorder with visual defects and brain anomalies. Last evaluated: 2023-07-22. Review status: criteria provided, single submitter. Criteria: ACMG Guidelines, 2015. Collection method: clinical testing. Allele origin: germline. Inheritance: Autosomal dominant inheritance. Affected: yes.
Comment: The observed missense variant c.2473G>Ap.Val825Met in HK1 gene has not been reported previously as a pathogenic variant nor as a benign variant, to our knowledge. The p.Val825Met variant is absent in gnomAD Exomes. This variant has been reported to the ClinVar database. However, no details are available for independent assessment. The amino acid Val at position 825 is changed to a Met changing protein sequence and it might alter its composition and physico-chemical properties. Computational evidence Polyphen-Damaging, SIFT-possibly damaging and Mutation Taster-polymorphism predicts conflicting evidence on protein structure and function for this variant.The reference amino acid p.Val825Met in HK1 is predicted as conserved by GERP++ and PhyloP across 100 vertebrates. For these reasons, this variant has been classified as Uncertain Significance.